The following is an entry in ClinVar:

ClinVar aggregate classification (germline): Uncertain significance (1 of 4 stars; one submission).

Conditions:
Polycystic kidney disease, adult type (PKD1). Also called: Polycystic Kidney Disease 1, Autosomal Dominant; Polycystic kidney disease 1; Polycystic kidney disease 1, severe; Polycystic Kidney, Autosomal Dominant; POLYCYSTIC KIDNEY DISEASE 1 WITH OR WITHOUT POLYCYSTIC LIVER DISEASE; POLYCYSTIC KIDNEY DISEASE, ADULT, TYPE I. Identifiers: MedGen C3149841, MONDO:0008263, OMIM 173900.

Submission:

3billion
Classification: Uncertain significance for Polycystic kidney disease, adult type. Last evaluated: 2022-09-01. Review status: criteria provided, single submitter. Criteria: ACMG Guidelines, 2015. Collection method: clinical testing. Allele origin: germline. Affected: yes. Observed: 1 heterozygote.
Comment: The variant is not observed in the gnomAD v2.1.1 dataset. While this variant results in missense change, protein truncation variants are a common disease-causing mechanism. In silico tool predictions suggest damaging effect of the variant on gene or gene product (REVEL: 0.67; 3Cnet: 0.86). However, the evidence of pathogenicity is insufficient at this time. Therefore, this variant is classified as uncertain significance according to the recommendation of ACMG/AMP guideline.

NM_001009944.3(PKD1):c.9382T>A (p.Trp3128Arg)

Gene: PKD1 (polycystin 1, transient receptor potential channel interacting; minus strand). Cytogenetic location: 16p13.3.
Variant type: single nucleotide variant.
Coding change: c.9382T>A on transcript NM_001009944.3 (MANE Select); coding-DNA position 9382, T replaced by A.
Protein change: p.Trp3128Arg; replaces tryptophan 3128 with arginine.
Molecular consequence: missense variant.
Genome position (GRCh38, 1-based): chr16:2,102,076, A>T on the plus strand (T>A on the coding strand, the complement: PKD1 is on the minus strand). VCF-style: chr16-2102076-A-T. GRCh37 (hg19) VCF-style: chr16-2152077-A-T.
Other names: c.9382T>A, p.Trp3128Arg (NM_000296.4); short protein forms W3128R.
Identifiers: ClinVar variation 1705693 (VCV001705693.1), dbSNP rs2544729917, ClinGen allele CA394357661.